The following is an entry in ClinVar:

ClinVar aggregate classification (germline): Benign (1 of 4 stars; one submission).

Conditions:
White sponge nevus 1. Also called: LEUKOKERATOSIS, HEREDITARY MUCOSAL. Identifiers: MedGen C4011926, MONDO:0008676, OMIM 193900.

Allele frequency attached by ClinVar (database versions not stated): gnomAD exomes 0.00012; ExAC 0.00015; gnomAD 0.00033 and 0.00036; TOPMed 0.00038; ESP Exome Variant Server 0.00079; 1000 Genomes Project 0.00100; 1000 Genomes Project 30x 0.00125.

Submission:

Illumina Laboratory Services, Illumina
Classification: Benign for White sponge nevus 1. Last evaluated: 2018-01-13. Review status: criteria provided, single submitter. Criteria: ICSL Variant Classification Criteria 13 December 2019. Collection method: clinical testing. Allele origin: germline.
Comment: This variant was observed in the ICSL laboratory as part of a predisposition screen in an ostensibly healthy population. It had not been previously curated by ICSL or reported in the Human Gene Mutation Database (HGMD: prior to June 1st, 2018), and was therefore a candidate for classification through an automated scoring system. Utilizing variant allele frequency, disease prevalence and penetrance estimates, and inheritance mode, an automated score was calculated to assess if this variant is too frequent to cause the disease. Based on the score and internal cut-off values, a variant classified as benign is not then subjected to further curation. The score for this variant resulted in a classification of benign for this disease.

NM_002272.4(KRT4):c.*30T>A

Gene: KRT4 (keratin 4; minus strand). Cytogenetic location: 12q13.13.
Variant type: single nucleotide variant.
Coding change: c.*30T>A on transcript NM_002272.4 (MANE Select); 30 bases downstream of the stop codon, T replaced by A.
Molecular consequence: 3 prime UTR variant.
Genome position (GRCh38, 1-based): chr12:52,807,039, A>T on the plus strand (T>A on the coding strand, the complement: KRT4 is on the minus strand). VCF-style: chr12-52807039-A-T. GRCh37 (hg19) VCF-style: chr12-53200823-A-T.
Identifiers: ClinVar variation 309665 (VCV000309665.5), dbSNP rs372075566, ClinGen allele CA6588345.
Genomic context (GRCh38, chr12:52,807,039, plus strand): 5'-AGACAGAGGATGGAGGTGAAGTGAAGGAAGCACAGAGACACCAGTGCTGGGCCCAGCTGG[A>T]CACAGTGAGCTGCAGGGACCTCGTCTCCTCTATCGTCTCTTGTTCAGGGTGGTGGTAGAG-3'